The following is an entry in ClinVar:

NM_002691.4(POLD1):c.1841A>T (p.His614Leu)

Gene: POLD1 (DNA polymerase delta 1, catalytic subunit; plus strand). Cytogenetic location: 19q13.33.
Variant type: single nucleotide variant.
Coding change: c.1841A>T on transcript NM_002691.4 (MANE Select); coding-DNA position 1841, A replaced by T.
Protein change: p.His614Leu; replaces histidine 614 with leucine.
Molecular consequence: missense variant. On other transcripts: non-coding transcript variant (1).
Genome position (GRCh38, 1-based): chr19:50,408,850, A>T. VCF-style: chr19-50408850-A-T. GRCh37 (hg19) VCF-style: chr19-50912107-A-T.
Other names: c.1841A>T, p.His614Leu (NM_001256849.1); c.1919A>T, p.His640Leu (NM_001308632.1); short protein forms H614L, H640L.
Identifiers: ClinVar variation 469223 (VCV000469223.8), dbSNP rs1555791790, ClinGen allele CA406982067.

ClinVar aggregate classification (germline): Uncertain significance (1 of 4 stars; one submission).

Conditions:
POLD1-related polyposis and colorectal cancer syndrome (CRCS10). Also called: Colorectal cancer 10; COLORECTAL CANCER, SUSCEPTIBILITY TO, ON CHROMOSOME 19q; Colorectal cancer, susceptibility to, 10. Identifiers: Orphanet 220460, MedGen C2675481, MONDO:0012953, OMIM 612591.

Submission:

Labcorp Genetics (formerly Invitae), Labcorp
Classification: Uncertain significance for POLD1-related polyposis and colorectal cancer syndrome. Last evaluated: 2017-01-29. Review status: criteria provided, single submitter. Criteria: Invitae Variant Classification Sherloc (09022015). Collection method: clinical testing. Allele origin: germline.
Comment: This variant is not present in population databases (ExAC no frequency) and has not been reported in the literature in individuals with a POLD1-related disease. This sequence change replaces histidine with leucine at codon 614 of the POLD1 protein (p.His614Leu). The histidine residue is highly conserved and there is a moderate physicochemical difference between histidine and leucine. Algorithms developed to predict the effect of missense changes on protein structure and function (SIFT, PolyPhen-2, Align-GVGD) all suggest that this variant is likely to be disruptive, but these predictions have not been confirmed by published functional studies. In summary, this variant is a novel missense change with uncertain impact on protein function. It has been classified as a Variant of Uncertain Significance.